The following is an entry in ClinVar:

NM_000383.4(AIRE):c.708_709del (p.Phe236fs)

Gene: AIRE (autoimmune regulator; plus strand). Cytogenetic location: 21q22.3.
Variant type: Deletion.
Coding change: c.708_709del on transcript NM_000383.4 (MANE Select); coding-DNA positions 708 to 709, 2 bases deleted (CG; older notation c.708_709delCG).
Protein change: p.Phe236fs; shifts the reading frame from phenylalanine 236.
Molecular consequence: frameshift variant.
Genome position (GRCh38, 1-based): chr21:44,289,712-44,289,713, CG deleted. VCF-style (leftmost placement, unchanged base first): chr21-44289711-TCG-T. GRCh37 (hg19) VCF-style: chr21-45709594-TCG-T.
Other names: short protein forms F236fs.
Identifiers: ClinVar variation 1724305 (VCV001724305.2), dbSNP rs2517880431, ClinGen allele CA2580098790.

ClinVar aggregate classification (germline): Likely pathogenic (1 of 4 stars; one submission).

Conditions:
Polyglandular autoimmune syndrome, type 1 (APS1). Also called: HYPOADRENOCORTICISM WITH HYPOPARATHYROIDISM AND SUPERFICIAL MONILIASIS; Whitaker syndrome; AUTOIMMUNE POLYENDOCRINE SYNDROME, TYPE I, WITH OR WITHOUT REVERSIBLE METAPHYSEAL DYSPLASIA; Autoimmune polyendocrine syndrome type 1; APS I; Autoimmune polyendocrinopathy syndrome, type I. Identifiers: Orphanet 3453, MedGen C0085859, MONDO:0009411, OMIM 240300.

Submission:

Myriad Genetics, Inc.
Classification: Likely pathogenic for Polyglandular autoimmune syndrome, type 1. Last evaluated: 2022-02-05. Review status: criteria provided, single submitter. Criteria: Myriad Women's Health Autosomal Recessive and X-Linked Classification Criteria (2021). Collection method: clinical testing. Allele origin: unknown.
Comment: NM_000383.3(AIRE):c.708_709delCG(F236Lfs*34) is expected to be pathogenic in the context of autoimmune polyglandular syndrome type 1. This variant is predicted to lead to an abnormal or absent protein product due to the creation of a premature termination codon in AIRE, a gene where loss-of-function variants are known to be pathogenic. Please note: this variant was assessed in the context of healthy population screening.